The following is an entry in ClinVar:

NM_006922.4(SCN3A):c.5531G>T (p.Gly1844Val)

Gene: SCN3A (sodium voltage-gated channel alpha subunit 3; minus strand). Cytogenetic location: 2q24.3.
Variant type: single nucleotide variant.
Coding change: c.5531G>T on transcript NM_006922.4 (MANE Select); coding-DNA position 5531, G replaced by T.
Protein change: p.Gly1844Val; replaces glycine 1844 with valine.
Molecular consequence: missense variant.
Genome position (GRCh38, 1-based): chr2:165,090,622, C>A on the plus strand (G>T on the coding strand, the complement: SCN3A is on the minus strand). VCF-style: chr2-165090622-C-A. GRCh37 (hg19) VCF-style: chr2-165947132-C-A.
Other names: c.5384G>T, p.Gly1795Val (NM_001081676.2, NM_001081677.2); short protein forms G1795V, G1844V.
Identifiers: ClinVar variation 1486189 (VCV001486189.6), dbSNP rs2105618674, ClinGen allele CA349011638.
Genomic context (GRCh38, chr2:165,090,622, plus strand): 5'-CTCTCACCCAAAACACGCTTTGTAAAGGCAAATAAAATATCAAGACAGTGGATCCGGTCA[C>A]CACTGACCATGGGCAGATCCATGGCAATAAGCTGGACTTTGTTGGGTTTTGCTATGAGAA-3'
Protein context (NP_008853.3, residues 1834-1854): LIAMDLPMVS[Gly1844Val]DRIHCLDILF

ClinVar aggregate classification (germline): Uncertain significance (1 of 4 stars; one submission).

Submission:

Labcorp Genetics (formerly Invitae), Labcorp
Classification: Uncertain significance. Last evaluated: 2021-08-26. Review status: criteria provided, single submitter. Criteria: Invitae Variant Classification Sherloc (09022015). Collection method: clinical testing. Allele origin: germline.
Comment: In summary, the available evidence is currently insufficient to determine the role of this variant in disease. Therefore, it has been classified as a Variant of Uncertain Significance. Algorithms developed to predict the effect of missense changes on protein structure and function are either unavailable or do not agree on the potential impact of this missense change (SIFT: "Deleterious"; PolyPhen-2: "Probably Damaging"; Align-GVGD: "Class C0"). This variant has not been reported in the literature in individuals affected with SCN3A-related conditions. This variant is not present in population databases (ExAC no frequency). This sequence change replaces glycine with valine at codon 1844 of the SCN3A protein (p.Gly1844Val). The glycine residue is moderately conserved and there is a moderate physicochemical difference between glycine and valine.